The following is an entry in ClinVar:

ClinVar aggregate classification (germline): Uncertain significance (1 of 4 stars; one submission).

Conditions:
X-linked severe congenital neutropenia (SCNX). Identifiers: Orphanet 86788, MedGen C1845987, MONDO:0010294, OMIM 300299.
Thrombocytopenia 1. Also called: THROMBOCYTOPENIA, X-LINKED, 1; X-linked thrombocytopenia with normal platelets; X-Linked Thrombocytopenia (XLT). Identifiers: Orphanet 268322, Orphanet 852, MedGen C1839163, MONDO:0010743, OMIM 313900.
Wiskott-Aldrich syndrome (WAS). Also called: ALDRICH SYNDROME; IMMUNODEFICIENCY 2; Wiskott-aldrich syndrome, somatic; WISKOTT-ALDRICH SYNDROME 1. Identifiers: Orphanet 906, MedGen C0043194, MONDO:0010518, OMIM 301000.

gnomAD v4.1: 2 of 1,210,816 alleles (0.00017%); highest among the groups gnomAD compares: Non-Finnish European, 0.00022%; no homozygotes.

Submission:

Labcorp Genetics (formerly Invitae), Labcorp
Classification: Uncertain significance for Wiskott-Aldrich syndrome; X-linked severe congenital neutropenia; Thrombocytopenia 1. Last evaluated: 2025-02-22. Review status: criteria provided, single submitter. Criteria: Invitae Variant Classification Sherloc (09022015). Collection method: clinical testing. Allele origin: germline.
Comment: This sequence change replaces aspartic acid, which is acidic and polar, with glycine, which is neutral and non-polar, at codon 497 of the WAS protein (p.Asp497Gly). This variant is not present in population databases (gnomAD no frequency). This variant has not been reported in the literature in individuals affected with WAS-related conditions. Invitae Evidence Modeling of protein sequence and biophysical properties (such as structural, functional, and spatial information, amino acid conservation, physicochemical variation, residue mobility, and thermodynamic stability) indicates that this missense variant is not expected to disrupt WAS protein function with a negative predictive value of 95%. Algorithms developed to predict the effect of sequence changes on RNA splicing suggest that this variant may create or strengthen a splice site. In summary, the available evidence is currently insufficient to determine the role of this variant in disease. Therefore, it has been classified as a Variant of Uncertain Significance.

NM_000377.3(WAS):c.1490A>G (p.Asp497Gly)

Gene: WAS (WASP actin nucleation promoting factor; plus strand). Cytogenetic location: Xp11.23.
Variant type: single nucleotide variant.
Coding change: c.1490A>G on transcript NM_000377.3 (MANE Select); coding-DNA position 1490, A replaced by G.
Protein change: p.Asp497Gly; replaces aspartic acid 497 with glycine.
Molecular consequence: missense variant.
Genome position (GRCh38, 1-based): chrX:48,691,143, A>G. VCF-style: chrX-48691143-A-G. GRCh37 (hg19) VCF-style: chrX-48549534-A-G.
Other names: short protein forms D497G.
Identifiers: ClinVar variation 3763662 (VCV003763662.2).
Genomic context (GRCh38, chrX:48,691,143, plus strand): 5'-TCTTATCTTTCTCTTTCCCTCCAGACGAAGGGGAGGACCAGGCTGGCGATGAAGATGAAG[A>G]TGATGAATGGGATGACTGAGTGGCTGAGTTACTTGCTGCCCTGTGCTCCTCCCCGCAGGA-3'
Protein context (NP_000368.1, residues 487-502): GEDQAGDEDE[Asp497Gly]DEWDD